The following is an entry in ClinVar:

NC_000012.11:g.(?_57971476)_(58025915_?)dup

Genes: ARHGEF25 (Rho guanine nucleotide exchange factor 25; plus strand), B4GALNT1 (beta-1,4-N-acetyl-galactosaminyltransferase 1; minus strand), DTX3 (deltex E3 ubiquitin ligase 3; plus strand), KIF5A (kinesin family member 5A; plus strand), PIP4K2C (phosphatidylinositol-5-phosphate 4-kinase type 2 gamma; plus strand). Cytogenetic location: 12q13.3.
Variant type: Duplication.
Identifiers: ClinVar variation 2425252 (VCV002425252.4).

ClinVar aggregate classification (germline): Uncertain significance (1 of 4 stars; one submission).

Conditions:
Spastic paraplegia. Identifiers: MedGen C0037772, HP:0001258.

Submission:

Labcorp Genetics (formerly Invitae), Labcorp
Classification: Uncertain significance for Spastic paraplegia. Last evaluated: 2022-04-11. Review status: criteria provided, single submitter. Criteria: Invitae Variant Classification Sherloc (09022015). Collection method: clinical testing. Allele origin: germline.
Comment: In summary, the available evidence is currently insufficient to determine the role of this variant in disease. Therefore, it has been classified as a Variant of Uncertain Significance. Experimental studies and prediction algorithms are not available or were not evaluated, and the functional significance of this variant is currently unknown. This variant has not been reported in the literature in individuals affected with KIF5A-related conditions. This variant results in a copy number gain of the genomic region encompassing exon(s) 21-29 of the KIF5A gene. This region includes the termination codon of the gene. This copy number gain extends beyond the assayed region for this gene and therefore may encompass additional genes. As the precise location of this event is unknown, it may be in tandem or it may be located elsewhere in the genome.